The following is an entry in ClinVar:

NM_001368397.1(FRMPD4):c.41+13C>T

Gene: FRMPD4 (FERM and PDZ domain containing 4; plus strand). Cytogenetic location: Xp22.2.
Variant type: single nucleotide variant.
Coding change: c.41+13C>T on transcript NM_001368397.1 (MANE Select); 13 bases into the intron after coding-DNA position 41, C replaced by T.
Molecular consequence: intron variant.
Genome position (GRCh38, 1-based): chrX:12,139,025, C>T. VCF-style: chrX-12139025-C-T. GRCh37 (hg19) VCF-style: chrX-12157144-C-T.
Other names: c.152+261007C>T (NM_001368398.3, NM_001368395.3); c.-81+73450C>T (NM_001368402.3); c.-80+73450C>T (NM_001368400.3); c.32+1260C>T (NM_001368399.3); c.41+13C>T (NM_014728.3, NM_001368396.3); c.-81+13C>T (NM_001368401.1).
Identifiers: ClinVar variation 4845597 (VCV004845597.1).
Genomic context (GRCh38, chrX:12,139,025, plus strand): 5'-TGCCTGCATGGATGTCTTCAGCTTTGTGAAGATTGCAAAGCTTTCGAGGTAGGGGCTGCG[C>T]GGGTTCCGTTTGCACCCAGGGCCGCTGCCGCGGGCAACTTGGTGCCTTATTTTTCGGGAG-3'

ClinVar aggregate classification (germline): Uncertain significance (1 of 4 stars; one submission).

gnomAD v4.1: 1 of 1,140,274 alleles (0.000088%); highest among the groups gnomAD compares: Non-Finnish European, 0.00012%; no homozygotes.

Submission:

Greenwood Genetic Center Diagnostic Laboratories, Greenwood Genetic Center
Classification: Uncertain significance. Last evaluated: 2025-10-23. Review status: criteria provided, single submitter. Criteria: ACMG Guidelines, 2015. Collection method: clinical testing. Allele origin: germline. Affected: yes.
Comment: PM2, BP4